The following is an entry in ClinVar:

NM_199420.4(POLQ):c.4126C>G (p.Pro1376Ala)

Gene: POLQ (DNA polymerase theta; minus strand). Cytogenetic location: 3q13.33.
Variant type: single nucleotide variant.
Coding change: c.4126C>G on transcript NM_199420.4 (MANE Select); coding-DNA position 4126, C replaced by G.
Protein change: p.Pro1376Ala; replaces proline 1376 with alanine.
Molecular consequence: missense variant.
Genome position (GRCh38, 1-based): chr3:121,488,805, G>C on the plus strand (C>G on the coding strand, the complement: POLQ is on the minus strand). VCF-style: chr3-121488805-G-C. GRCh37 (hg19) VCF-style: chr3-121207652-G-C.
Other names: short protein forms P1376A.
Identifiers: ClinVar variation 3422585 (VCV003422585.1).
Genomic context (GRCh38, chr3:121,488,805, plus strand): 5'-CTACAGTCTTAAGGTCCAAATGATCTATCTTAGTCGCTCCTAGAGGGTGCTGTTCAGCAG[G>C]AAAAGGAATGTGACACTCCTTCTGAAAAGAGTTCATTGAGTTCTGTTGGACTAAGCTCTT-3'
Protein context (NP_955452.3, residues 1366-1386): SFQKECHIPF[Pro1376Ala]AEQHPLGATK

ClinVar aggregate classification (germline): Uncertain significance (1 of 4 stars; one submission).

gnomAD v4.1: 1 of 1,613,766 alleles (0.000062%); highest among the groups gnomAD compares: African/African-American, 0.0013%; no homozygotes.

Submission:

Ambry Genetics
Classification: Uncertain significance. Last evaluated: 2024-10-06. Review status: criteria provided, single submitter. Criteria: Ambry Variant Classification Scheme 2023. Collection method: clinical testing. Allele origin: germline.
Comment: The p.P1376A variant (also known as c.4126C>G), located in coding exon 16 of the POLQ gene, results from a C to G substitution at nucleotide position 4126. The proline at codon 1376 is replaced by alanine, an amino acid with highly similar properties. This amino acid position is conserved. In addition, this alteration is predicted to be tolerated by in silico analysis. Based on the available evidence, the clinical significance of this variant remains unclear.